The following is an entry in ClinVar:

ClinVar aggregate classification (germline): Pathogenic. Review status: criteria provided, multiple submitters, no conflicts (2 of 4 stars). 4 submissions from 4 submitters: Pathogenic (4). Last evaluated 2026-01-20.

Conditions:
Hereditary cancer-predisposing syndrome. Also called: Hereditary neoplastic syndrome; Tumor predisposition; Neoplastic Syndromes, Hereditary; Hereditary Cancer Syndrome. Identifiers: Orphanet 140162, MedGen C0027672, MeSH D009386, MONDO:0015356.
Neurofibromatosis, type 1 (NF1). Also called: Neurofibromatosis, type I; NEUROFIBROMATOSIS, TYPE I, SOMATIC; Peripheral type neurofibromatosis; VON RECKLINGHAUSEN DISEASE. Identifiers: Orphanet 636, MedGen C0027831, MONDO:0018975, OMIM 162200. Disease mechanism: loss of function.

Submissions (4):

Labcorp Genetics (formerly Invitae), Labcorp
Classification: Pathogenic for Neurofibromatosis, type 1. Last evaluated: 2026-01-20. Review status: criteria provided, single submitter. Criteria: Invitae Variant Classification Sherloc (09022015). Collection method: clinical testing. Allele origin: germline.
Comment: This sequence change creates a premature translational stop signal (p.Gln2218*) in the NF1 gene. It is expected to result in an absent or disrupted protein product. Loss-of-function variants in NF1 are known to be pathogenic (PMID: 10712197, 23913538). This variant is not present in population databases (gnomAD no frequency). This premature translational stop signal has been observed in individual(s) with clinical features consistent with neurofibromatosis, type 1 (PMID: 30014477). ClinVar contains an entry for this variant (Variation ID: 428972). Algorithms developed to predict the effect of sequence changes on RNA splicing suggest that this variant may disrupt the consensus splice site. For these reasons, this variant has been classified as Pathogenic.

NHS Central & South Genomic Laboratory Hub
Classification: Pathogenic for Neurofibromatosis type 1. Last evaluated: 2024-11-12. Review status: criteria provided, single submitter. Criteria: ACMG Guidelines, 2015. Collection method: clinical testing. Allele origin: germline. Affected: yes.

Mayo Clinic Laboratories, Mayo Clinic
Classification: Pathogenic. Last evaluated: 2022-02-23. Review status: criteria provided, single submitter. Criteria: ACMG Guidelines, 2015. Collection method: clinical testing. Allele origin: germline. Observed: 3 variant alleles.
Comment: PP4, PM2, PVS1

Ambry Genetics
Classification: Pathogenic for Hereditary cancer-predisposing syndrome. Last evaluated: 2015-09-08. Review status: criteria provided, single submitter. Criteria: Ambry Autosomal Dominant and X-Linked criteria (10/2015). Collection method: clinical testing. Allele origin: germline. Observed: 1 variant allele.
Comment: The p.Q2239* pathogenic mutation (also known as c.6715C>T andc.6652C>T), located in coding exon 45 of the NF1 gene, results from a C to T substitution at nucleotide position 6715. This changes the amino acid from a glutamine to a stop codon within coding exon 45. Since premature stop codons are typically deleterious in nature, this alteration is interpreted as a disease-causing mutation (ACMG Recommendations for Standards for Interpretation and Reporting of Sequence Variations. Revision 2007. Genet Med. 2008;10:294).

Literature cited by the submitters: PubMed 10712197 (cited by Labcorp Genetics (formerly Invitae), Labcorp); PubMed 23913538 (cited by Labcorp Genetics (formerly Invitae), Labcorp); PubMed 30014477 (cited by Labcorp Genetics (formerly Invitae), Labcorp).

NM_001042492.3(NF1):c.6715C>T (p.Gln2239Ter)

Gene: NF1 (neurofibromin 1; plus strand). Cytogenetic location: 17q11.2.
Variant type: single nucleotide variant.
Coding change: c.6715C>T on transcript NM_001042492.3 (MANE Select); coding-DNA position 6715, C replaced by T.
Protein change: p.Gln2239Ter; replaces glutamine 2239 with a stop codon.
Molecular consequence: nonsense.
Genome position (GRCh38, 1-based): chr17:31,338,035, C>T. VCF-style: chr17-31338035-C-T. GRCh37 (hg19) VCF-style: chr17-29665053-C-T.
Other names: p.Gln2218*; c.6652C>T, p.Gln2218Ter (NM_000267.4); short protein forms Q2218*, Q2239*.
Identifiers: ClinVar variation 428972 (VCV000428972.8), dbSNP rs1131691093, ClinGen allele CA399014000.